The following is an entry in ClinVar:

ClinVar aggregate classification (germline): Likely benign. Review status: criteria provided, single submitter (1 of 4 stars). 2 submissions from 2 submitters: Likely benign (1). 1 of the submissions does not count toward it. Last evaluated 2018-12-10.

Conditions:
UBR4-related disorder. Also called: UBR4-related condition.

Allele frequency attached by ClinVar (database versions not stated): ExAC 0.00026; 1000 Genomes Project 30x 0.00031; gnomAD 0.00038 and 0.00053; ESP Exome Variant Server 0.00038; 1000 Genomes Project 0.00040; gnomAD exomes 0.00065 and 0.00028; TOPMed 0.00059.
gnomAD v4.1: 998 of 1,614,132 alleles (0.062%); highest among the groups gnomAD compares: Non-Finnish European, 0.08%; 2 homozygotes.

Submissions (2):

Labcorp Genetics (formerly Invitae), Labcorp
Classification: Likely benign. Last evaluated: 2018-12-10. Review status: criteria provided, single submitter. Criteria: Invitae Variant Classification Sherloc (09022015). Collection method: clinical testing. Allele origin: germline.

PreventionGenetics, part of Exact Sciences
Classification: Likely benign for UBR4-related condition. Last evaluated: 2019-04-30. Review status: no assertion criteria provided. Collection method: clinical testing. Allele origin: germline. Not counted in ClinVar's aggregate classification.
Comment: This variant is classified as likely benign based on ACMG/AMP sequence variant interpretation guidelines (Richards et al. 2015 PMID: 25741868, with internal and published modifications).

NM_020765.3(UBR4):c.4737A>G (p.Lys1579=)

Gene: UBR4 (ubiquitin protein ligase E3 component n-recognin 4; minus strand). Cytogenetic location: 1p36.13.
Variant type: single nucleotide variant.
Coding change: c.4737A>G on transcript NM_020765.3 (MANE Select); coding-DNA position 4737, A replaced by G.
Protein change: p.Lys1579=; no amino-acid change (lysine 1579 retained).
Molecular consequence: synonymous variant.
Genome position (GRCh38, 1-based): chr1:19,163,791, T>C on the plus strand (A>G on the coding strand, the complement: UBR4 is on the minus strand). VCF-style: chr1-19163791-T-C. GRCh37 (hg19) VCF-style: chr1-19490285-T-C.
Identifiers: ClinVar variation 722108 (VCV000722108.5), dbSNP rs146546416, ClinGen allele CA650746.